The following is an entry in ClinVar:

ClinVar aggregate classification (germline): Likely pathogenic (1 of 4 stars; one submission).

Conditions:
MEGF8-related Carpenter syndrome. Also called: Carpenter syndrome 2. Identifiers: Orphanet 65759, MedGen C3554247, MONDO:0013998, OMIM 614976.

Allele frequency attached by ClinVar (database versions not stated): gnomAD exomes below 0.00001; ExAC 0.00002.
gnomAD v4.1: 1 of 1,585,428 alleles (0.000063%); highest among the groups gnomAD compares: African/African-American, 0.0013%; no homozygotes.

Submission:

Greenwood Genetic Center Diagnostic Laboratories, Greenwood Genetic Center
Classification: Likely pathogenic for MEGF8-related Carpenter syndrome. Last evaluated: 2022-06-30. Review status: criteria provided, single submitter. Criteria: ACMG Guidelines, 2015. Collection method: clinical testing. Allele origin: germline. Affected: yes.
Comment: PVS1, PM2

NM_001271938.2(MEGF8):c.3931G>T (p.Glu1311Ter)

Gene: MEGF8 (multiple EGF like domains 8; plus strand). Cytogenetic location: 19q13.2.
Variant type: single nucleotide variant.
Coding change: c.3931G>T on transcript NM_001271938.2 (MANE Select); coding-DNA position 3931, G replaced by T.
Protein change: p.Glu1311Ter; replaces glutamic acid 1311 with a stop codon.
Molecular consequence: nonsense.
Genome position (GRCh38, 1-based): chr19:42,353,944, G>T. VCF-style: chr19-42353944-G-T. GRCh37 (hg19) VCF-style: chr19-42858096-G-T.
Other names: c.3730G>T, p.Glu1244Ter (NM_001410.3); short protein forms E1244*, E1311*.
Identifiers: ClinVar variation 1703133 (VCV001703133.3), dbSNP rs761406257, ClinGen allele CA9475123.